The following is an entry in ClinVar:

NM_001042492.3(NF1):c.4836G>T (p.Arg1612Ser)

Gene: NF1 (neurofibromin 1; plus strand). Cytogenetic location: 17q11.2.
Variant type: single nucleotide variant.
Coding change: c.4836G>T on transcript NM_001042492.3 (MANE Select); coding-DNA position 4836, G replaced by T.
Protein change: p.Arg1612Ser; replaces arginine 1612 with serine.
Molecular consequence: missense variant.
Genome position (GRCh38, 1-based): chr17:31,325,820, G>T. VCF-style: chr17-31325820-G-T. GRCh37 (hg19) VCF-style: chr17-29652838-G-T.
Other names: c.4773G>T, p.Arg1591Ser (NM_000267.4); short protein forms R1591S, R1612S.
Identifiers: ClinVar variation 484040 (VCV000484040.13), dbSNP rs1555533268, ClinGen allele CA399006874.
Genomic context (GRCh38, chr17:31,325,820, plus strand): 5'-ATCTGTATATTTATTTTAAACACTGCTAATAATCTTTGTCTTTTTTGTCATTTTCCTTAG[G>T]TTCAAAACTGGTCAAATCAATGGTGATTTGCTGATATACCATGTCTTACTGACTTTAAAG-3'
Protein context (NP_001035957.1, residues 1602-1622): GNPIFYYVAR[Arg1612Ser]FKTGQINGDL

ClinVar aggregate classification (germline): Uncertain significance. Review status: criteria provided, multiple submitters, no conflicts (2 of 4 stars). 4 submissions from 4 submitters: Uncertain significance (4). Last evaluated 2025-10-03.

Conditions:
Cardiovascular phenotype. Identifiers: MedGen CN230736.
Hereditary cancer-predisposing syndrome. Also called: Tumor predisposition; Hereditary neoplastic syndrome; Neoplastic Syndromes, Hereditary; Hereditary Cancer Syndrome. Identifiers: Orphanet 140162, MedGen C0027672, MeSH D009386, MONDO:0015356.
Neurofibromatosis, type 1 (NF1). Also called: NEUROFIBROMATOSIS, TYPE I, SOMATIC; Peripheral type neurofibromatosis; Neurofibromatosis, type I; VON RECKLINGHAUSEN DISEASE. Identifiers: Orphanet 636, MedGen C0027831, MONDO:0018975, OMIM 162200. Disease mechanism: loss of function.

gnomAD v4.1: 1 of 1,613,312 alleles (0.000062%); highest among the groups gnomAD compares: Non-Finnish European, 0.000085%; no homozygotes.

Submissions (4):

Dasa
Classification: Uncertain significance. Last evaluated: 2025-10-03. Review status: criteria provided, single submitter. Criteria: DASA Assertion Criteria. Collection method: clinical testing. Allele origin: germline.
Comment: NM_001042492.3(NF1):c.4836G>T (p.Arg1612Ser) is a missense variant that results in the substitution of arginine with serine. This variant has been reported in individuals with NF1-related disorders. Also, this variant is rare in population databases. Computational prediction algorithms are consistent with a deleterious effect. The currently available literature and clinical evidence are not sufficient to establish a definitive association between this variant and the reported condition. Therefore, this variant is classified as a variant of uncertain significance.

Labcorp Genetics (formerly Invitae), Labcorp
Classification: Uncertain significance for Neurofibromatosis, type 1. Last evaluated: 2025-08-16. Review status: criteria provided, single submitter. Criteria: Invitae Variant Classification Sherloc (09022015). Collection method: clinical testing. Allele origin: germline.
Comment: This sequence change replaces arginine, which is basic and polar, with serine, which is neutral and polar, at codon 1591 of the NF1 protein (p.Arg1591Ser). This variant is not present in population databases (gnomAD no frequency). This missense change has been observed in individual(s) with clinical features of NF1-related conditions (PMID: 30308447). ClinVar contains an entry for this variant (Variation ID: 484040). An algorithm developed to predict the effect of missense changes on protein structure and function (PolyPhen-2) suggests that this variant is likely to be disruptive. In summary, the available evidence is currently insufficient to determine the role of this variant in disease. Therefore, it has been classified as a Variant of Uncertain Significance.

Genome-Nilou Lab
Classification: Uncertain significance for Neurofibromatosis, type 1. Last evaluated: 2022-03-15. Review status: criteria provided, single submitter. Criteria: ACMG Guidelines, 2015. Collection method: clinical testing. Allele origin: germline. Affected: no.

Ambry Genetics
Classification: Uncertain significance for Cardiovascular phenotype; Hereditary cancer-predisposing syndrome. Last evaluated: 2016-05-18. Review status: criteria provided, single submitter. Criteria: Ambry Variant Classification Scheme 2023. Collection method: clinical testing. Allele origin: germline.
Comment: The p.R1591S variant (also known as c.4773G>T) is located in coding exon 36 of the NF1 gene. The arginine at codon 1591 is replaced by serine, an amino acid with dissimilar properties. This change occurs in the first base pair of coding exon 36. This variant was not reported in population based cohorts in the following databases: Database of Single Nucleotide Polymorphisms (dbSNP), NHLBI Exome Sequencing Project (ESP), and 1000 Genomes Project. In the ESP, this variant was not observed in 6503 samples (13006 alleles) with coverage at this position. To date, this alteration has been detected with an allele frequency of approximately 0.001% (greater than 175000 alleles tested) in our clinical cohort. This amino acid position is highly conserved in available vertebrate species. In addition, this alteration is predicted to be deleterious by in silico analysis. Since supporting evidence is limited at this time, the clinical significance of this alteration remains unclear.

Literature cited by the submitters: PubMed 30308447 (cited by Labcorp Genetics (formerly Invitae), Labcorp).